The following is an entry in ClinVar:

NM_000834.5(GRIN2B):c.4077C>T (p.Ala1359=)

Gene: GRIN2B (glutamate ionotropic receptor NMDA type subunit 2B; minus strand). Cytogenetic location: 12p13.1.
Variant type: single nucleotide variant.
Coding change: c.4077C>T on transcript NM_000834.5 (MANE Select); coding-DNA position 4077, C replaced by T.
Protein change: p.Ala1359=; no amino-acid change (alanine 1359 retained).
Molecular consequence: synonymous variant.
Genome position (GRCh38, 1-based): chr12:13,563,161, G>A on the plus strand (C>T on the coding strand, the complement: GRIN2B is on the minus strand). VCF-style: chr12-13563161-G-A. GRCh37 (hg19) VCF-style: chr12-13716095-G-A.
Identifiers: ClinVar variation 211123 (VCV000211123.11), dbSNP rs375217280, ClinGen allele CA207222.

ClinVar aggregate classification (germline): Conflicting classifications of pathogenicity. Review status: criteria provided, conflicting classifications (1 of 4 stars). 3 submissions from 3 submitters: Uncertain significance (1); Benign (1); Likely benign (1). Last evaluated 2024-02-21.

Conditions:
Intellectual developmental disorder, autosomal dominant 6, with or without seizures. Also called: Intellectual disability, autosomal dominant 6; GRIN2B-related developmental delay, intellectual disability and autism spectrum disorder. Identifiers: Orphanet 589547, MedGen C3151411, MONDO:0013509, OMIM 613970.
Developmental and epileptic encephalopathy, 27 (DEE27). Also called: Epileptic encephalopathy, early infantile, 27; GRIN2B-Related Neurodevelopmental Disorder. Identifiers: Orphanet 3451, MedGen C4015316, MONDO:0014505, OMIM 616139.

Allele frequency attached by ClinVar (database versions not stated): TOPMed 0.00001; gnomAD exomes 0.00002 and 0.00006; gnomAD 0.00003; ExAC 0.00006.
gnomAD v4.1: 38 of 1,614,064 alleles (0.0024%); highest among the groups gnomAD compares: South Asian, 0.03%; no homozygotes.

Submissions (3):

Labcorp Genetics (formerly Invitae), Labcorp
Classification: Likely benign for Developmental and epileptic encephalopathy, 27; Intellectual developmental disorder, autosomal dominant 6, with or without seizures. Last evaluated: 2024-02-21. Review status: criteria provided, single submitter. Criteria: Invitae Variant Classification Sherloc (09022015). Collection method: clinical testing. Allele origin: germline.

Genetic Services Laboratory, University of Chicago
Classification: Uncertain significance. Last evaluated: 2015-07-17. Review status: criteria provided, single submitter. Criteria: ACMG Guidelines, 2015. Collection method: clinical testing. Allele origin: germline.

GeneDx
Classification: Benign. Last evaluated: 2015-03-30. Review status: criteria provided, single submitter. Criteria: GeneDx Variant Classification (06012015). Collection method: clinical testing. Allele origin: germline. Affected: yes.
Comment: This variant is considered likely benign or benign based on one or more of the following criteria: it is a conservative change, it occurs at a poorly conserved position in the protein, it is predicted to be benign by multiple in silico algorithms, and/or has population frequency not consistent with disease.